The following is an entry in ClinVar:

ClinVar aggregate classification (germline): Uncertain significance. Review status: criteria provided, multiple submitters, no conflicts (2 of 4 stars). 6 submissions from 6 submitters: Uncertain significance (5). 1 of the submissions does not count toward it. Last evaluated 2025-06-20.

Conditions:
Hereditary cancer-predisposing syndrome. Also called: Neoplastic Syndromes, Hereditary; Hereditary Cancer Syndrome; Tumor predisposition; Hereditary neoplastic syndrome. Identifiers: Orphanet 140162, MedGen C0027672, MeSH D009386, MONDO:0015356.
Fanconi anemia (FA). Also called: Fanconi's anemia. Identifiers: Orphanet 84, MedGen C0015625, MeSH D005199, MONDO:0019391.
Fanconi anemia complementation group C (FANCC). Also called: Fanconi anemia, group C; FANCC-Related Fanconi Anemia; FANCONI PANCYTOPENIA, TYPE 3; FACC. Identifiers: Orphanet 84, MedGen C3468041, MONDO:0009213, OMIM 227645.

gnomAD v4.1: 1 of 1,614,166 alleles (0.000062%); highest among the groups gnomAD compares: Middle Eastern, 0.016%; no homozygotes.

Submissions (6):

Quest Diagnostics Nichols Institute San Juan Capistrano
Classification: Uncertain significance. Last evaluated: 2025-06-20. Review status: criteria provided, single submitter. Criteria: Quest Diagnostics criteria. Collection method: clinical testing. Allele origin: unknown.
Comment: The FANCC c.568C>T (p.Leu190Phe) variant has been reported in the published literature in individuals with Fanconi anemia (PMID: 8844212 (1996)) and breast cancer (PMID: 19714462 (2010), 33471991 (2021), see also LOVD). This variant has also been identified in reportedly unaffected individuals (PMID: 19714462 (2010), 33471991 (2021), see also LOVD). This variant has not been reported in large, multi-ethnic general populations (Genome Aggregation Database). Analysis of this variant using bioinformatics tools for the prediction of the effect of amino acid changes on protein structure and function yielded conflicting predictions that this variant is benign or damaging. Based on the available information, we are unable to determine the clinical significance of this variant.

Ambry Genetics
Classification: Uncertain significance for Hereditary cancer-predisposing syndrome. Last evaluated: 2024-07-05. Review status: criteria provided, single submitter. Criteria: Ambry Variant Classification Scheme 2023. Collection method: clinical testing. Allele origin: germline.
Comment: The p.L190F variant (also known as c.568C>T), located in coding exon 6 of the FANCC gene, results from a C to T substitution at nucleotide position 568. The leucine at codon 190 is replaced by phenylalanine, an amino acid with highly similar properties. This amino acid position is highly conserved in available vertebrate species. In addition, the in silico prediction for this alteration is inconclusive. Since supporting evidence is limited at this time, the clinical significance of this alteration remains unclear.

Women's Health and Genetics/Laboratory Corporation of America, LabCorp
Classification: Uncertain significance. Last evaluated: 2023-05-18. Review status: criteria provided, single submitter. Criteria: LabCorp Variant Classification Summary - May 2015. Collection method: clinical testing. Allele origin: germline.
Comment: Variant summary: FANCC c.568C>T (p.Leu190Phe) results in a non-conservative amino acid change in the encoded protein sequence. Four of five in-silico tools predict a damaging effect of the variant on protein function. The variant was absent in 251376 control chromosomes. The available data on variant occurrences in the general population are insufficient to allow any conclusion about variant significance. c.568C>T has been reported in the literature in individuals affected with Fanconi Anemia and breast cancer without strong evidence of causality, as well as an unaffected control (Gibson_1996, Loizidou_2010). These reports do not provide unequivocal conclusions about association of the variant with Fanconi Anemia Group C. To our knowledge, no experimental evidence demonstrating an impact on protein function has been reported. The following publications have been ascertained in the context of this evaluation (PMID: 8844212, 19714462). Four clinical diagnostic laboratories have submitted clinical-significance assessments for this variant to ClinVar after 2014, and classified the variant as uncertain significance. Based on the evidence outlined above, the variant was classified as uncertain significance.

Fulgent Genetics
Classification: Uncertain significance for Fanconi anemia complementation group C. Last evaluated: 2022-02-25. Review status: criteria provided, single submitter. Criteria: ACMG Guidelines, 2015. Collection method: clinical testing. Allele origin: unknown.

Labcorp Genetics (formerly Invitae), Labcorp
Classification: Uncertain significance for Fanconi anemia. Last evaluated: 2022-01-26. Review status: criteria provided, single submitter. Criteria: Invitae Variant Classification Sherloc (09022015). Collection method: clinical testing. Allele origin: germline.
Comment: This sequence change replaces leucine, which is neutral and non-polar, with phenylalanine, which is neutral and non-polar, at codon 190 of the FANCC protein (p.Leu190Phe). This variant is not present in population databases (gnomAD no frequency). This missense change has been observed in individual(s) with Fanconi anemia (PMID: 8844212). This variant is also known as 823 C>T (PMID: 8844212). ClinVar contains an entry for this variant (Variation ID: 929800). Algorithms developed to predict the effect of missense changes on protein structure and function are either unavailable or do not agree on the potential impact of this missense change (SIFT: "Deleterious"; PolyPhen-2: "Probably Damaging"; Align-GVGD: "Class C0"). In summary, the available evidence is currently insufficient to determine the role of this variant in disease. Therefore, it has been classified as a Variant of Uncertain Significance.

Leiden Open Variation Database
Classification: Uncertain significance. Last evaluated: 2020-02-28. Review status: no assertion criteria provided. Collection method: curation. Allele origin: germline. Affected: yes. Not counted in ClinVar's aggregate classification.
Comment: Curator: Arleen D. Auerbach. Submitter to LOVD: Arleen D. Auerbach.

Literature cited by the submitters: PubMed 8844212 (cited by 3 submitters); PubMed 33471991 (cited by Quest Diagnostics Nichols Institute San Juan Capistrano); PubMed 19714462 (cited by Quest Diagnostics Nichols Institute San Juan Capistrano and Women's Health and Genetics/Laboratory Corporation of America, LabCorp); PubMed 08844212 (cited by Leiden Open Variation Database).

NM_000136.3(FANCC):c.568C>T (p.Leu190Phe)

Genes: FANCC (FA complementation group C; minus strand), AOPEP (aminopeptidase O (putative); plus strand). Cytogenetic location: 9q22.32.
Variant type: single nucleotide variant.
Coding change: c.568C>T on transcript NM_000136.3 (MANE Select); coding-DNA position 568, C replaced by T.
Protein change: p.Leu190Phe; replaces leucine 190 with phenylalanine.
Molecular consequence: missense variant.
Genome position (GRCh38, 1-based): chr9:95,150,041, G>A on the plus strand (C>T on the coding strand, the complement: FANCC is on the minus strand). VCF-style: chr9-95150041-G-A. GRCh37 (hg19) VCF-style: chr9-97912323-G-A.
Other names: c.568C>T, p.Leu190Phe (NM_001243743.2, NM_001243744.2); short protein forms L190F.
Identifiers: ClinVar variation 929800 (VCV000929800.11), dbSNP rs1800364, ClinGen allele CA196573221.